The following is an entry in ClinVar:

NM_001378778.1(MPDZ):c.3962C>T (p.Ser1321Leu)

Gene: MPDZ (multiple PDZ domain crumbs cell polarity complex component; minus strand). Cytogenetic location: 9p23.
Variant type: single nucleotide variant.
Coding change: c.3962C>T on transcript NM_001378778.1 (MANE Select); coding-DNA position 3962, C replaced by T.
Protein change: p.Ser1321Leu; replaces serine 1321 with leucine.
Molecular consequence: missense variant.
Genome position (GRCh38, 1-based): chr9:13,140,028, G>A on the plus strand (C>T on the coding strand, the complement: MPDZ is on the minus strand). VCF-style: chr9-13140028-G-A. GRCh37 (hg19) VCF-style: chr9-13140027-G-A.
Other names: c.3863C>T, p.Ser1288Leu (NM_001261406.2, NM_001261407.2, NM_001375416.1 and 3 more transcripts); c.3962C>T, p.Ser1321Leu (NM_001330637.2, NM_001375413.1, NM_003829.5); c.3752C>T, p.Ser1251Leu (NM_001375420.1, NM_001375421.1, NM_001375422.1 and 4 more transcripts); c.3554C>T, p.Ser1185Leu (NM_001375427.1); short protein forms S1251L, S1185L, S1288L, S1321L.
Identifiers: ClinVar variation 1463116 (VCV001463116.6), dbSNP rs752383203, ClinGen allele CA4986900.

ClinVar aggregate classification (germline): Uncertain significance (1 of 4 stars; one submission).

Allele frequency attached by ClinVar (database versions not stated): gnomAD 0.00001; gnomAD exomes 0.00001; TOPMed 0.00002.
gnomAD v4.1: 8 of 1,613,200 alleles (0.0005%); highest among the groups gnomAD compares: Admixed American, 0.0083%; no homozygotes.

Submission:

Labcorp Genetics (formerly Invitae), Labcorp
Classification: Uncertain significance. Last evaluated: 2022-08-16. Review status: criteria provided, single submitter. Criteria: Invitae Variant Classification Sherloc (09022015). Collection method: clinical testing. Allele origin: germline.
Comment: In summary, the available evidence is currently insufficient to determine the role of this variant in disease. Therefore, it has been classified as a Variant of Uncertain Significance. Algorithms developed to predict the effect of missense changes on protein structure and function are either unavailable or do not agree on the potential impact of this missense change (SIFT: "Deleterious"; PolyPhen-2: "Benign"; Align-GVGD: "Class C0"). ClinVar contains an entry for this variant (Variation ID: 1463116). This variant has not been reported in the literature in individuals affected with MPDZ-related conditions. This variant is present in population databases (rs752383203, gnomAD 0.006%). This sequence change replaces serine, which is neutral and polar, with leucine, which is neutral and non-polar, at codon 1321 of the MPDZ protein (p.Ser1321Leu).